The following is an entry in ClinVar:

NM_002691.4(POLD1):c.3155C>A (p.Ser1052Ter)

Gene: POLD1 (DNA polymerase delta 1, catalytic subunit; plus strand). Cytogenetic location: 19q13.33.
Variant type: single nucleotide variant.
Coding change: c.3155C>A on transcript NM_002691.4 (MANE Select); coding-DNA position 3155, C replaced by A.
Protein change: p.Ser1052Ter; replaces serine 1052 with a stop codon.
Molecular consequence: nonsense. On other transcripts: non-coding transcript variant (1).
Genome position (GRCh38, 1-based): chr19:50,417,206, C>A. VCF-style: chr19-50417206-C-A. GRCh37 (hg19) VCF-style: chr19-50920463-C-A.
Other names: c.3155C>A, p.Ser1052Ter (NM_001256849.1); c.3233C>A, p.Ser1078Ter (NM_001308632.1); short protein forms S1078*, S1052*.
Identifiers: ClinVar variation 2163858 (VCV002163858.4), dbSNP rs1005672452, ClinGen allele CA406987353.
Genomic context (GRCh38, chr19:50,417,206, plus strand): 5'-CCCTGCTCAGCCGCTGCCGTCCCCAGGTATCCCATCTGAATGCCCTGGAGGAGCGCTTCT[C>A]GCGCCTCTGGACGCAGTGCCAGCGCTGCCAGGGCAGCCTGCACGAGGACGTCATCTGCAC-3'

ClinVar aggregate classification (germline): Uncertain significance (1 of 4 stars; one submission).

Conditions:
POLD1-related polyposis and colorectal cancer syndrome (CRCS10). Also called: Colorectal cancer, susceptibility to, 10; Colorectal cancer 10; COLORECTAL CANCER, SUSCEPTIBILITY TO, ON CHROMOSOME 19q. Identifiers: Orphanet 220460, MedGen C2675481, MONDO:0012953, OMIM 612591.

Submission:

Labcorp Genetics (formerly Invitae), Labcorp
Classification: Uncertain significance for POLD1-related polyposis and colorectal cancer syndrome. Last evaluated: 2022-06-09. Review status: criteria provided, single submitter. Criteria: Invitae Variant Classification Sherloc (09022015). Collection method: clinical testing. Allele origin: germline.
Comment: In summary, the available evidence is currently insufficient to determine the role of this variant in disease. Therefore, it has been classified as a Variant of Uncertain Significance. This variant has not been reported in the literature in individuals affected with POLD1-related conditions. This variant is not present in population databases (gnomAD no frequency). This sequence change creates a premature translational stop signal (p.Ser1052*) in the POLD1 gene. Missense variants that disrupt the 3'-5' exonuclease (proof-reading) activity of the POLD1 protein are associated with an increased risk for colonic adenomatous polyps and colon cancer (PMID: 23263490, 23447401). However, loss-of-function variants that result in an absent or severely disrupted POLD1 protein, and missense variants outside the exonuclease domain, are unlikely to be associated with polyposis or colon cancer.

Literature cited by the submitters: PubMed 23263490; PubMed 23447401.